The following is an entry in ClinVar:

NM_024725.4(CCDC82):c.67C>T (p.Arg23Ter)

Gene: CCDC82 (coiled-coil domain containing 82; minus strand). Cytogenetic location: 11q21.
Variant type: single nucleotide variant.
Coding change: c.67C>T on transcript NM_024725.4 (MANE Select); coding-DNA position 67, C replaced by T.
Protein change: p.Arg23Ter; replaces arginine 23 with a stop codon.
Molecular consequence: nonsense.
Genome position (GRCh38, 1-based): chr11:96,384,681, G>A on the plus strand (C>T on the coding strand, the complement: CCDC82 is on the minus strand). VCF-style: chr11-96384681-G-A. GRCh37 (hg19) VCF-style: chr11-96117845-G-A.
Other names: c.67C>T, p.Arg23Ter (NM_001318736.2, NM_001318737.3, NM_001363594.2); short protein forms R23*.
Identifiers: ClinVar variation 1708245 (VCV001708245.2), dbSNP rs1866090527, ClinGen allele CA382425075.

ClinVar aggregate classification (germline): Likely pathogenic (1 of 4 stars; one submission).

Conditions:
Intellectual disability. Also called: intellectual disabilities; Intellectual functioning disability; Intellectual developmental disorder. Identifiers: MedGen C3714756, MeSH D008607, MONDO:0001071, HP:0001249.

Allele frequency attached by ClinVar (database versions not stated): TOPMed below 0.00001.
gnomAD v4.1: 2 of 1,613,010 alleles (0.00012%); highest among the groups gnomAD compares: East Asian, 0.0022%; no homozygotes.

Submission:

Genetics Laboratory, UDIAT-Centre Diagnòstic, Hospital Universitari Parc Tauli
Classification: Likely pathogenic for Intellectual disability. Last evaluated: 2022-10-04. Review status: criteria provided, single submitter. Criteria: Parc Tauli Hospital Assertion Criteria 2021. Collection method: clinical testing. Allele origin: inherited. Inheritance: Autosomal dominant inheritance. Affected: yes.
Comment: PVS1;PM2_supporting;PM3_supporting